The following is an entry in ClinVar:

NM_000245.4(MET):c.3983C>T (p.Pro1328Leu)

Gene: MET (MET proto-oncogene, receptor tyrosine kinase; plus strand). Cytogenetic location: 7q31.2.
Variant type: single nucleotide variant.
Coding change: c.3983C>T on transcript NM_000245.4 (MANE Select); coding-DNA position 3983, C replaced by T.
Protein change: p.Pro1328Leu; replaces proline 1328 with leucine.
Molecular consequence: missense variant.
Genome position (GRCh38, 1-based): chr7:116,795,934, C>T. VCF-style: chr7-116795934-C-T. GRCh37 (hg19) VCF-style: chr7-116435988-C-T.
Other names: c.4037C>T (NM_001127500.1); c.4037C>T, p.Pro1346Leu (NM_001127500.3); c.2693C>T, p.Pro898Leu (NM_001324402.2); short protein forms P1328L, P1346L, P898L.
Identifiers: ClinVar variation 1009364 (VCV001009364.12), dbSNP rs755043272, ClinGen allele CA4448814.

ClinVar aggregate classification (germline): Uncertain significance. Review status: criteria provided, multiple submitters, no conflicts (2 of 4 stars). 3 submissions from 3 submitters: Uncertain significance (3). Last evaluated 2025-06-28.

Conditions:
Renal cell carcinoma. Identifiers: Orphanet 217071, MedGen C0007134, MeSH D002292, MONDO:0005086, HP:0005584.
Hereditary cancer-predisposing syndrome. Also called: Tumor predisposition; Hereditary neoplastic syndrome; Neoplastic Syndromes, Hereditary; Hereditary Cancer Syndrome. Identifiers: Orphanet 140162, MedGen C0027672, MeSH D009386, MONDO:0015356.
Autosomal recessive nonsyndromic hearing loss 97. Also called: Deafness, autosomal recessive 97. Identifiers: Orphanet 90636, MedGen C4084709, MONDO:0014739, OMIM 616705.

Allele frequency attached by ClinVar (database versions not stated): gnomAD exomes below 0.00001 and 0.00001; ExAC 0.00001; gnomAD 0.00001.
gnomAD v4.1: 4 of 1,614,176 alleles (0.00025%); highest among the groups gnomAD compares: South Asian, 0.0033%; no homozygotes.

Submissions (3):

Ambry Genetics
Classification: Uncertain significance for Hereditary cancer-predisposing syndrome. Last evaluated: 2025-06-28. Review status: criteria provided, single submitter. Criteria: Ambry Variant Classification Scheme 2023. Collection method: clinical testing. Allele origin: germline.
Comment: The p.P1346L variant (also known as c.4037C>T), located in coding exon 20 of the MET gene, results from a C to T substitution at nucleotide position 4037. The proline at codon 1346 is replaced by leucine, an amino acid with similar properties. This amino acid position is highly conserved in available vertebrate species. In addition, this alteration is predicted to be deleterious by in silico analysis. Since supporting evidence is limited at this time, the clinical significance of this alteration remains unclear.

Labcorp Genetics (formerly Invitae), Labcorp
Classification: Uncertain significance for Renal cell carcinoma. Last evaluated: 2023-11-24. Review status: criteria provided, single submitter. Criteria: Invitae Variant Classification Sherloc (09022015). Collection method: clinical testing. Allele origin: germline.
Comment: This sequence change replaces proline, which is neutral and non-polar, with leucine, which is neutral and non-polar, at codon 1346 of the MET protein (p.Pro1346Leu). This variant is present in population databases (rs755043272, gnomAD 0.003%). This variant has not been reported in the literature in individuals affected with MET-related conditions. ClinVar contains an entry for this variant (Variation ID: 1009364). Advanced modeling of protein sequence and biophysical properties (such as structural, functional, and spatial information, amino acid conservation, physicochemical variation, residue mobility, and thermodynamic stability) performed at Invitae indicates that this missense variant is expected to disrupt MET protein function with a positive predictive value of 80%. In summary, the available evidence is currently insufficient to determine the role of this variant in disease. Therefore, it has been classified as a Variant of Uncertain Significance.

Baylor Genetics
Classification: Uncertain significance for Autosomal recessive nonsyndromic hearing loss 97. Last evaluated: 2023-07-04. Review status: criteria provided, single submitter. Criteria: ACMG Guidelines, 2015. Collection method: clinical testing. Allele origin: unknown.